The following is an entry in ClinVar:

ClinVar aggregate classification (germline): Uncertain significance (1 of 4 stars; one submission).

gnomAD v4.1: 4 of 1,613,068 alleles (0.00025%); highest among the groups gnomAD compares: South Asian, 0.0022%; no homozygotes.

Submission:

Mayo Clinic Laboratories, Mayo Clinic
Classification: Uncertain significance. Last evaluated: 2024-07-10. Review status: criteria provided, single submitter. Criteria: ACMG Guidelines, 2015. Collection method: clinical testing. Allele origin: germline. Observed: 1 variant allele.
Comment: PM2

NM_032564.5(DGAT2):c.1004C>T (p.Thr335Ile)

Gene: DGAT2 (diacylglycerol O-acyltransferase 2; plus strand). Cytogenetic location: 11q13.5.
Variant type: single nucleotide variant.
Coding change: c.1004C>T on transcript NM_032564.5 (MANE Select); coding-DNA position 1004, C replaced by T.
Protein change: p.Thr335Ile; replaces threonine 335 with isoleucine.
Molecular consequence: missense variant.
Genome position (GRCh38, 1-based): chr11:75,798,421, C>T. VCF-style: chr11-75798421-C-T. GRCh37 (hg19) VCF-style: chr11-75509466-C-T.
Other names: p.Thr335Ile; c.875C>T, p.Thr292Ile (NM_001253891.2); short protein forms T292I, T335I.
Identifiers: ClinVar variation 3380037 (VCV003380037.1).
Genomic context (GRCh38, chr11:75,798,421, plus strand): 5'-ATGGTCGAGGCCTCTTCTCCTCCGACACCTGGGGGCTGGTGCCCTACTCCAAGCCCATCA[C>T]CACTGTTGGTAAGCCCCTAGCCTGCAGACCAAGGGCTGTCCTGAACACAGGGTGCCATAC-3'
Protein context (NP_115953.2, residues 325-345): WGLVPYSKPI[Thr335Ile]TVVGEPITIP